The following is an entry in ClinVar:

NM_015991.4(C1QA):c.151_152insCGGGTAAGCA (p.Gln51fs)

Gene: C1QA (complement C1q A chain; plus strand). Cytogenetic location: 1p36.12.
Variant type: Insertion.
Coding change: c.151_152insCGGGTAAGCA on transcript NM_015991.4 (MANE Select); coding-DNA positions 151 to 152, CGGGTAAGCA inserted.
Protein change: p.Gln51fs; shifts the reading frame from glutamine 51.
Molecular consequence: frameshift variant.
Genome position: GRCh38 VCF-style: chr1-22637767-C-CCGGGTAAGCA. GRCh37 (hg19) VCF-style: chr1-22964260-C-CCGGGTAAGCA.
Other names: c.151_152insCGGGTAAGCA, p.Gln51fs (NM_001347465.2, NM_001347466.2); short protein forms Q51fs.
Identifiers: ClinVar variation 1364617 (VCV001364617.6), dbSNP rs1414092978, ClinGen allele CA521618296.

ClinVar aggregate classification (germline): Pathogenic (1 of 4 stars; one submission).

Allele frequency attached by ClinVar (database versions not stated): gnomAD exomes 0.00001 and 0.00002; TOPMed 0.00001.

Submission:

Labcorp Genetics (formerly Invitae), Labcorp
Classification: Pathogenic. Last evaluated: 2026-01-23. Review status: criteria provided, single submitter. Criteria: Invitae Variant Classification Sherloc (09022015). Collection method: clinical testing. Allele origin: germline.
Comment: This sequence change creates a premature translational stop signal (p.Gln51Profs*20) in the C1QA gene. While this is not anticipated to result in nonsense mediated decay, it is expected to disrupt the last 195 amino acid(s) of the C1QA protein. This variant is present in population databases (no rsID available, gnomAD 0.01%). This variant has not been reported in the literature in individuals affected with C1QA-related conditions. ClinVar contains an entry for this variant (Variation ID: 1364617). Algorithms developed to predict the effect of sequence changes on RNA splicing suggest that this variant may disrupt the consensus splice site. This variant disrupts a region of the C1QA protein in which other variant(s) (p.Gln208*) have been determined to be pathogenic (PMID: 7594474, 8840296, 9225968, 21654842, 26563161, 29739689, 30008451). This suggests that this is a clinically significant region of the protein, and that variants that disrupt it are likely to be disease-causing. For these reasons, this variant has been classified as Pathogenic.

Literature cited by the submitters: PubMed 7594474; PubMed 8840296; PubMed 9225968; PubMed 21654842; PubMed 26563161; PubMed 29739689; PubMed 30008451.